The following is an entry in ClinVar:

NM_000520.6(HEXA):c.1455G>A (p.Trp485Ter)

Gene: HEXA (hexosaminidase subunit alpha; minus strand). Cytogenetic location: 15q23.
Variant type: single nucleotide variant.
Coding change: c.1455G>A on transcript NM_000520.6 (MANE Select); coding-DNA position 1455, G replaced by A.
Protein change: p.Trp485Ter; replaces tryptophan 485 with a stop codon.
Molecular consequence: nonsense. On other transcripts: non-coding transcript variant (1).
Genome position (GRCh38, 1-based): chr15:72,345,517, C>T on the plus strand (G>A on the coding strand, the complement: HEXA is on the minus strand). VCF-style: chr15-72345517-C-T. GRCh37 (hg19) VCF-style: chr15-72637858-C-T.
Other names: c.1488G>A, p.Trp496Ter (NM_001318825.2); short protein forms W485*, W496*.
Identifiers: ClinVar variation 1451990 (VCV001451990.6), dbSNP rs2140319619, ClinGen allele CA393058798.
Genomic context (GRCh38, chr15:72,345,517, plus strand): 5'-ACAGCGGAAGTGTGACAAACGTTCATAGGCAAATGTCAGGTCAGATGTCAACTTGTTGCT[C>T]CACAGCCTTTCGGCAACAGCCCCTGCTCTGGGCCTGGAGGAAAAGGGGCATGTGCCAGAT-3'

ClinVar aggregate classification (germline): Pathogenic (1 of 4 stars; one submission).

Conditions:
Tay-Sachs disease (TSD). Also called: HEXA DEFICIENCY; GM2 gangliosidosis, type 1; Hexosaminidase alpha-subunit deficiency (variant B); Sphingolipidosis, Tay-Sachs; HEXA Disorders; Hexosaminidase A Deficiency. Identifiers: Orphanet 845, MedGen C0039373, MONDO:0010100, OMIM 272800.

Submission:

Labcorp Genetics (formerly Invitae), Labcorp
Classification: Pathogenic for Tay-Sachs disease. Last evaluated: 2021-11-23. Review status: criteria provided, single submitter. Criteria: Invitae Variant Classification Sherloc (09022015). Collection method: clinical testing. Allele origin: germline.
Comment: For these reasons, this variant has been classified as Pathogenic. This premature translational stop signal has been observed in individuals with Tay Sachs disease (PMID: 23852624). This variant is not present in population databases (gnomAD no frequency). This sequence change creates a premature translational stop signal (p.Trp485*) in the HEXA gene. It is expected to result in an absent or disrupted protein product. Loss-of-function variants in HEXA are known to be pathogenic (PMID: 1833974, 8490625).

Literature cited by the submitters: PubMed 23852624; PubMed 1833974; PubMed 8490625.